The following is an entry in ClinVar:

NM_004525.3(LRP2):c.9905G>A (p.Gly3302Glu)

Gene: LRP2 (LDL receptor related protein 2; minus strand). Cytogenetic location: 2q31.1.
Variant type: single nucleotide variant.
Coding change: c.9905G>A on transcript NM_004525.3 (MANE Select); coding-DNA position 9905, G replaced by A.
Protein change: p.Gly3302Glu; replaces glycine 3302 with glutamic acid.
Molecular consequence: missense variant.
Genome position (GRCh38, 1-based): chr2:169,182,260, C>T on the plus strand (G>A on the coding strand, the complement: LRP2 is on the minus strand). VCF-style: chr2-169182260-C-T. GRCh37 (hg19) VCF-style: chr2-170038770-C-T.
Other names: short protein forms G3302E.
Identifiers: ClinVar variation 2006218 (VCV002006218.4), dbSNP rs2545748028, ClinGen allele CA349152019.
Genomic context (GRCh38, chr2:169,182,260, plus strand): 5'-TTATCAAAGCAGAAGGTGTTGTTGGCATCCACACAGTGCTGGGCCAGCATGCGGCGGTGT[C>T]CACCATTGAGGTCAGAGACAAAGAGGCCATCCAGGCGGGCATCCAACCAGTAGAGCTTTC-3'
Protein context (NP_004516.2, residues 3292-3312): DGLFVSDLNG[Gly3302Glu]HRRMLAQHCV

ClinVar aggregate classification (germline): Uncertain significance (1 of 4 stars; one submission).

Submission:

Labcorp Genetics (formerly Invitae), Labcorp
Classification: Uncertain significance. Last evaluated: 2022-06-14. Review status: criteria provided, single submitter. Criteria: Invitae Variant Classification Sherloc (09022015). Collection method: clinical testing. Allele origin: germline.
Comment: This sequence change replaces glycine, which is neutral and non-polar, with glutamic acid, which is acidic and polar, at codon 3302 of the LRP2 protein (p.Gly3302Glu). This variant is not present in population databases (gnomAD no frequency). This variant has not been reported in the literature in individuals affected with LRP2-related conditions. Advanced modeling of protein sequence and biophysical properties (such as structural, functional, and spatial information, amino acid conservation, physicochemical variation, residue mobility, and thermodynamic stability) performed at Invitae indicates that this missense variant is not expected to disrupt LRP2 protein function. In summary, the available evidence is currently insufficient to determine the role of this variant in disease. Therefore, it has been classified as a Variant of Uncertain Significance.